The following is an entry in ClinVar:

ClinVar aggregate classification (germline): Uncertain significance (1 of 4 stars; one submission).

Conditions:
Gorlin syndrome. Also called: Basal cell nevus syndrome; Nevoid Basal Cell Carcinoma Syndrome. Identifiers: Orphanet 377, MedGen C0004779, MONDO:0007187.

Submission:

Labcorp Genetics (formerly Invitae), Labcorp
Classification: Uncertain significance for Gorlin syndrome. Last evaluated: 2022-04-28. Review status: criteria provided, single submitter. Criteria: Invitae Variant Classification Sherloc (09022015). Collection method: clinical testing. Allele origin: germline.
Comment: In summary, the available evidence is currently insufficient to determine the role of this variant in disease. Therefore, it has been classified as a Variant of Uncertain Significance. Advanced modeling of protein sequence and biophysical properties (such as structural, functional, and spatial information, amino acid conservation, physicochemical variation, residue mobility, and thermodynamic stability) performed at Invitae indicates that this missense variant is not expected to disrupt PTCH1 protein function. This variant has not been reported in the literature in individuals affected with PTCH1-related conditions. This variant is not present in population databases (gnomAD no frequency). This sequence change replaces asparagine, which is neutral and polar, with lysine, which is basic and polar, at codon 283 of the PTCH1 protein (p.Asn283Lys).

NM_000264.5(PTCH1):c.849T>G (p.Asn283Lys)

Gene: PTCH1 (patched 1; minus strand). Cytogenetic location: 9q22.32.
Variant type: single nucleotide variant.
Coding change: c.849T>G on transcript NM_000264.5 (MANE Select); coding-DNA position 849, T replaced by G.
Protein change: p.Asn283Lys; replaces asparagine 283 with lysine.
Molecular consequence: missense variant. On other transcripts: non-coding transcript variant (1).
Genome position (GRCh38, 1-based): chr9:95,480,486, A>C on the plus strand (T>G on the coding strand, the complement: PTCH1 is on the minus strand). VCF-style: chr9-95480486-A-C. GRCh37 (hg19) VCF-style: chr9-98242768-A-C.
Other names: c.651T>G, p.Asn217Lys (NM_001083602.3); c.846T>G, p.Asn282Lys (NM_001083603.3); c.396T>G, p.Asn132Lys (NM_001083604.3, NM_001083605.3, NM_001083606.3 and 1 more transcripts); c.849T>G, p.Asn283Lys (NM_001354918.2); short protein forms N132K, N282K, N217K, N283K.
Identifiers: ClinVar variation 2131427 (VCV002131427.4), dbSNP rs2118419765, ClinGen allele CA374114040.
Genomic context (GRCh38, chr9:95,480,486, plus strand): 5'-GTCTGGATCGGCCGGATTGAGGCAGGGGCGGTCCATGTAACCATGACCAACCTCAGCCTT[A>C]TTCAGCATTTCCTCCCAGCTGTCCACTTGATAGTTTATTTTCTTTAACTCTTCCAGGAAT-3'
Protein context (NP_000255.2, residues 273-293): YQVDSWEEML[Asn283Lys]KAEVGHGYMD